The following is an entry in ClinVar:

NM_000064.4(C3):c.3737_3738del (p.Asp1245_Phe1246insTer)

Gene: C3 (complement C3; minus strand). Cytogenetic location: 19p13.3.
Variant type: Deletion.
Coding change: c.3737_3738del on transcript NM_000064.4 (MANE Select); coding-DNA positions 3737 to 3738, 2 bases deleted (TT; older notation c.3737_3738delTT).
Protein change: p.Asp1245_Phe1246insTer.
Molecular consequence: nonsense.
Genome position (GRCh38, 1-based): chr19:6,686,196-6,686,197, AA deleted on the plus strand (TT on the coding strand, the reverse complement: C3 is on the minus strand); deleting any 2 consecutive bases within chr19:6,686,196-6,686,198 gives the same sequence; the c. name uses the placement nearest the transcript's 3' end. VCF-style (leftmost placement, unchanged base first): chr19-6686195-CAA-C. GRCh37 (hg19) VCF-style: chr19-6686206-CAA-C.
Identifiers: ClinVar variation 992385 (VCV000992385.7), dbSNP rs1568212112, ClinGen allele CA631722261.

ClinVar aggregate classification (germline): Pathogenic. Review status: criteria provided, multiple submitters, no conflicts (2 of 4 stars). 4 submissions from 4 submitters: Pathogenic (3). 1 of the submissions does not count toward it. Last evaluated 2026-06-26.

Conditions:
Primary immunodeficiency or monogenic inflammatory bowel disease.
Atypical hemolytic-uremic syndrome with C3 anomaly. Also called: AHUS, SUSCEPTIBILITY TO, 5. Identifiers: Orphanet 2134, MedGen C2752037, MONDO:0013043, OMIM 612925.
Complement component 3 deficiency. Identifiers: Orphanet 280133, MedGen C3151071, MONDO:0013417, OMIM 613779.

Submissions (4):

North West Genomic Laboratory Hub, Manchester University NHS Foundation Trust
Classification: Pathogenic for Primary immunodeficiency or monogenic inflammatory bowel disease. Last evaluated: 2026-06-26. Review status: criteria provided, single submitter. Criteria: ACGS Best Practice Guidelines for Variant Classification in Rare Disease 2024. Collection method: clinical testing. Allele origin: germline. Affected: yes.
Comment: PVS1_VStr PM2_Mod PM3_Supp

Genomenon, Inc
Classification: Pathogenic for Complement component 3 deficiency. Last evaluated: 2025-09-30. Review status: criteria provided, single submitter. Criteria: Genomenon Sequence Variant Interpretation Standards. Collection method: curation. Allele origin: germline. Affected: yes.
Comment: C3 p.Phe1246Ter (c.3737_3738del) is a nonsense variant that introduces a premature stop codon at amino acid position 1246, creating a truncated protein that is predicted to undergo nonsense-mediated mRNA decay. This variant has been observed in at least one proband affected with C3 deficiency (PMID:20047980;16158444). The variant was found to segregate with disease in at least one affected family (PMID:20047980). It is absent or not present at a significant frequency in gnomAD. In conclusion, we classify C3 p.Phe1246Ter (c.3737_3738del) as a pathogenic variant.

Labcorp Genetics (formerly Invitae), Labcorp
Classification: Pathogenic. Last evaluated: 2023-08-04. Review status: criteria provided, single submitter. Criteria: Invitae Variant Classification Sherloc (09022015). Collection method: clinical testing. Allele origin: germline.
Comment: This sequence change creates a premature translational stop signal (p.Phe1246*) in the C3 gene. It is expected to result in an absent or disrupted protein product. Loss-of-function variants in C3 are known to be pathogenic (PMID: 12462331, 14639503, 21501302). This variant is present in population databases (no rsID available, gnomAD 0.0009%). This premature translational stop signal has been observed in individual(s) with clinical features of C3-related conditions (PMID: 20047980). ClinVar contains an entry for this variant (Variation ID: 992385). For these reasons, this variant has been classified as Pathogenic.

Bioscientia Institut fuer Medizinische Diagnostik GmbH, Sonic Healthcare
Classification: Pathogenic for Atypical hemolytic-uremic syndrome with C3 anomaly. Last evaluated: 2020-01-03. Review status: no assertion criteria provided. Collection method: clinical testing. Allele origin: germline. Affected: yes. Not counted in ClinVar's aggregate classification.

Literature cited by the submitters: PubMed 20047980 (cited by Genomenon, Inc and Labcorp Genetics (formerly Invitae), Labcorp); PubMed 16158444 (cited by Genomenon, Inc); PubMed 12462331 (cited by Labcorp Genetics (formerly Invitae), Labcorp); PubMed 14639503 (cited by Labcorp Genetics (formerly Invitae), Labcorp); PubMed 21501302 (cited by Labcorp Genetics (formerly Invitae), Labcorp).